The following is an entry in ClinVar:

ClinVar aggregate classification (germline): Uncertain significance (1 of 4 stars; one submission).

Conditions:
Facioscapulohumeral muscular dystrophy 2 (FSHD2). Also called: MUSCULAR DYSTROPHY, FACIOSCAPULOHUMERAL, TYPE 1B; FSHD2, DIGENIC; FACIOSCAPULOHUMERAL MUSCULAR DYSTROPHY 2, DIGENIC. Identifiers: Orphanet 269, MedGen C1834671, MONDO:0008031, OMIM 158901.

gnomAD v4.1: 1 of 1,595,122 alleles (0.000063%); highest among the groups gnomAD compares: Non-Finnish European, 0.000086%; no homozygotes.

Submission:

Labcorp Genetics (formerly Invitae), Labcorp
Classification: Uncertain significance for Facioscapulohumeral muscular dystrophy 2. Last evaluated: 2023-03-15. Review status: criteria provided, single submitter. Criteria: Invitae Variant Classification Sherloc (09022015). Collection method: clinical testing. Allele origin: germline.
Comment: In summary, the available evidence is currently insufficient to determine the role of this variant in disease. Therefore, it has been classified as a Variant of Uncertain Significance. Advanced modeling of protein sequence and biophysical properties (such as structural, functional, and spatial information, amino acid conservation, physicochemical variation, residue mobility, and thermodynamic stability) performed at Invitae indicates that this missense variant is not expected to disrupt SMCHD1 protein function. This variant has not been reported in the literature in individuals affected with SMCHD1-related conditions. The frequency data for this variant in the population databases is considered unreliable, as metrics indicate poor data quality at this position in the gnomAD database. This sequence change replaces threonine, which is neutral and polar, with isoleucine, which is neutral and non-polar, at codon 299 of the SMCHD1 protein (p.Thr299Ile).

NM_015295.3(SMCHD1):c.896C>T (p.Thr299Ile)

Gene: SMCHD1 (structural maintenance of chromosomes flexible hinge domain containing 1; plus strand). Cytogenetic location: 18p11.32.
Variant type: single nucleotide variant.
Coding change: c.896C>T on transcript NM_015295.3 (MANE Select); coding-DNA position 896, C replaced by T.
Protein change: p.Thr299Ile; replaces threonine 299 with isoleucine.
Molecular consequence: missense variant.
Genome position (GRCh38, 1-based): chr18:2,694,549, C>T. VCF-style: chr18-2694549-C-T. GRCh37 (hg19) VCF-style: chr18-2694547-C-T.
Other names: short protein forms T299I.
Identifiers: ClinVar variation 2844297 (VCV002844297.3), dbSNP rs1411437447, ClinGen allele CA401694353.
Genomic context (GRCh38, chr18:2,694,549, plus strand): 5'-GATGATTTAATCTGTTGTATTTCTGTTCACTCTTGTAGCCCTCTGATTCTGTTCACATTA[C>T]AAATGATGATGAAAGATTTCTACATCATCTTATCATAGAGGAGAAGGAAAAAGATAGCTT-3'
Protein context (NP_056110.2, residues 289-309): NRKPSDSVHI[Thr299Ile]NDDERFLHHL